The following is an entry in ClinVar:

ClinVar aggregate classification (germline): Conflicting classifications of pathogenicity. Review status: criteria provided, conflicting classifications (1 of 4 stars). 4 submissions from 4 submitters: Uncertain significance (1); Likely benign (3). Last evaluated 2026-05-07.

Conditions:
Familial thoracic aortic aneurysm and aortic dissection (TAAD). Also called: Thoracic aortic aneurysms and dissections. Identifiers: Orphanet 91387, MedGen C4707243, MONDO:0019625.
PLOD1-related disorder. Also called: PLOD1-related condition.
Ehlers-Danlos syndrome, kyphoscoliotic type 1 (EDSKSCL1). Also called: EHLERS-DANLOS SYNDROME, TYPE VIA; Ehlers-Danlos syndrome, hydroxylysine-deficient; EHLERS-DANLOS SYNDROME, OCULAR-SCOLIOTIC TYPE; PLOD1-Related Kyphoscoliotic Ehlers-Danlos Syndrome. Identifiers: Orphanet 1900, MedGen C0268342, MONDO:0016002, OMIM 225400. Disease mechanism: loss of function.

Allele frequency attached by ClinVar (database versions not stated): gnomAD 0.00001; TOPMed 0.00004; ExAC 0.00008; ESP Exome Variant Server 0.00008.
gnomAD v4.1: 56 of 1,614,042 alleles (0.0035%); highest among the groups gnomAD compares: South Asian, 0.034%; 1 homozygote.

Submissions (4):

PreventionGenetics, part of Exact Sciences
Classification: Likely benign for PLOD1-related condition. Last evaluated: 2026-05-07. Review status: criteria provided, single submitter. Criteria: ACMG Guidelines, 2015. Collection method: clinical testing. Allele origin: germline.
Comment: This variant is classified as likely benign based on ACMG/AMP sequence variant interpretation guidelines (Richards et al. 2015 PMID: 25741868, with internal and published modifications).

Labcorp Genetics (formerly Invitae), Labcorp
Classification: Likely benign for Ehlers-Danlos syndrome, kyphoscoliotic type 1. Last evaluated: 2024-02-25. Review status: criteria provided, single submitter. Criteria: Invitae Variant Classification Sherloc (09022015). Collection method: clinical testing. Allele origin: germline.

Ambry Genetics
Classification: Likely benign for Familial thoracic aortic aneurysm and aortic dissection. Last evaluated: 2020-05-11. Review status: criteria provided, single submitter. Criteria: Ambry Variant Classification Scheme 2023. Collection method: clinical testing. Allele origin: germline.

Illumina Laboratory Services, Illumina
Classification: Uncertain significance for Ehlers-Danlos syndrome, kyphoscoliotic type 1. Last evaluated: 2018-01-12. Review status: criteria provided, single submitter. Criteria: ICSL Variant Classification Criteria 13 December 2019. Collection method: clinical testing. Allele origin: germline.

NM_000302.4(PLOD1):c.2160C>T (p.Ile720=)

Gene: PLOD1 (procollagen-lysine,2-oxoglutarate 5-dioxygenase 1; plus strand). Cytogenetic location: 1p36.22.
Variant type: single nucleotide variant.
Coding change: c.2160C>T on transcript NM_000302.4 (MANE Select); coding-DNA position 2160, C replaced by T.
Protein change: p.Ile720=; no amino-acid change (isoleucine 720 retained).
Molecular consequence: synonymous variant.
Genome position (GRCh38, 1-based): chr1:11,974,784, C>T. VCF-style: chr1-11974784-C-T. GRCh37 (hg19) VCF-style: chr1-12034841-C-T.
Other names: c.2301C>T, p.Ile767= (NM_001316320.2).
Identifiers: ClinVar variation 292351 (VCV000292351.12), dbSNP rs140513387, ClinGen allele CA598688.